The following is an entry in ClinVar:

NM_004259.7(RECQL5):c.1322G>A (p.Arg441Gln)

Gene: RECQL5 (RecQ like helicase 5; minus strand). Cytogenetic location: 17q25.1.
Variant type: single nucleotide variant.
Coding change: c.1322G>A on transcript NM_004259.7 (MANE Select); coding-DNA position 1322, G replaced by A.
Protein change: p.Arg441Gln; replaces arginine 441 with glutamine.
Molecular consequence: missense variant.
Genome position (GRCh38, 1-based): chr17:75,631,576, C>T on the plus strand (G>A on the coding strand, the complement: RECQL5 is on the minus strand). VCF-style: chr17-75631576-C-T. GRCh37 (hg19) VCF-style: chr17-73627656-C-T.
Other names: short protein forms R441Q.
Identifiers: ClinVar variation 3355645 (VCV003355645.1).
Genomic context (GRCh38, chr17:75,631,576, plus strand): 5'-GAGGGCCCGATGCAGGTCTTGCTCCAGCTGCTGCTGCGCTCCAAGGCCTCCAGCCGCCTC[C>T]GCACGGCCGTGGGGTTCTGGCAGTGGTCGCAGCCTTTGGCGCAGGCAGGCAGCGCATCCC-3'
Protein context (NP_004250.4, residues 431-451): CDHCQNPTAV[Arg441Gln]RRLEALERSS

ClinVar aggregate classification (germline): Likely benign (0 of 4 stars; one submission).

Conditions:
RECQL5-related disorder. Also called: RECQL5-related condition.

Submission:

PreventionGenetics, part of Exact Sciences
Classification: Likely benign for RECQL5-related condition. Last evaluated: 2024-04-27. Review status: no assertion criteria provided. Collection method: clinical testing. Allele origin: germline.
Comment: This variant is classified as likely benign based on ACMG/AMP sequence variant interpretation guidelines (Richards et al. 2015 PMID: 25741868, with internal and published modifications).